The following is an entry in ClinVar:

NM_001017974.2(P4HA2):c.269T>A (p.Val90Glu)

Gene: P4HA2 (prolyl 4-hydroxylase subunit alpha 2; minus strand). Cytogenetic location: 5q31.1.
Variant type: single nucleotide variant.
Coding change: c.269T>A on transcript NM_001017974.2 (MANE Select); coding-DNA position 269, T replaced by A.
Protein change: p.Val90Glu; replaces valine 90 with glutamic acid.
Molecular consequence: missense variant.
Genome position (GRCh38, 1-based): chr5:132,217,259, A>T on the plus strand (T>A on the coding strand, the complement: P4HA2 is on the minus strand). VCF-style: chr5-132217259-A-T. GRCh37 (hg19) VCF-style: chr5-131552952-A-T.
Other names: c.269T>A, p.Val90Glu (NM_001142598.2, NM_001142599.2, NM_001365677.2 and 5 more transcripts); short protein forms V90E.
Identifiers: ClinVar variation 1326509 (VCV001326509.2), dbSNP rs2126618029, ClinGen allele CA360801516.

ClinVar aggregate classification (germline): Uncertain significance (1 of 4 stars; one submission).

Submission:

GeneDx
Classification: Uncertain significance. Last evaluated: 2021-05-28. Review status: criteria provided, single submitter. Criteria: GeneDx Variant Classification Process June 2021. Collection method: clinical testing. Allele origin: germline. Affected: yes.
Comment: Not observed at significant frequency in large population cohorts (Lek et al., 2016); In silico analysis supports that this missense variant has a deleterious effect on protein structure/function; Has not been previously published as pathogenic or benign to our knowledge; This variant is associated with the following publications: (PMID: 27535533)